The following is an entry in ClinVar:

ClinVar aggregate classification (germline): Likely benign (1 of 4 stars; one submission).

gnomAD v4.1: 1 of 1,607,966 alleles (0.000062%); highest among the groups gnomAD compares: South Asian, 0.0011%; no homozygotes.

Submission:

CeGaT Center for Human Genetics Tuebingen
Classification: Likely benign. Last evaluated: 2026-08-01. Review status: criteria provided, single submitter. Criteria: CeGaT Center For Human Genetics Tuebingen Variant Classification Criteria Version 2. Collection method: clinical testing. Allele origin: germline. Affected: yes. Observed: 1 variant allele.
Comment: SNAPC4: BP4, BP7

NM_003086.4(SNAPC4):c.3486A>G (p.Gln1162=)

Gene: SNAPC4 (small nuclear RNA activating complex polypeptide 4; minus strand). Cytogenetic location: 9q34.3.
Variant type: single nucleotide variant.
Coding change: c.3486A>G on transcript NM_003086.4 (MANE Select); coding-DNA position 3486, A replaced by G.
Protein change: p.Gln1162=; no amino-acid change (glutamine 1162 retained).
Molecular consequence: synonymous variant.
Genome position (GRCh38, 1-based): chr9:136,378,341, T>C on the plus strand (A>G on the coding strand, the complement: SNAPC4 is on the minus strand). VCF-style: chr9-136378341-T-C. GRCh37 (hg19) VCF-style: chr9-139272793-T-C.
Other names: c.3486A>G, p.Gln1162= (NM_001394201.1); c.3402A>G, p.Gln1134= (NM_001394202.1, NM_001394203.1).
Identifiers: ClinVar variation 5040403 (VCV005040403.1).